The following is an entry in ClinVar:

NM_001164508.2(NEB):c.22161+5G>C

Genes: NEB (nebulin; minus strand), RIF1 (replication timing regulatory factor 1; plus strand). Cytogenetic location: 2q23.3.
Variant type: single nucleotide variant.
Coding change: c.22161+5G>C on transcript NM_001164508.2 (MANE Select); 5 bases into the intron after coding-DNA position 22161, G replaced by C.
Molecular consequence: intron variant.
Genome position (GRCh38, 1-based): chr2:151,525,953, C>G on the plus strand (G>C on the coding strand, the complement: NEB is on the minus strand). VCF-style: chr2-151525953-C-G. GRCh37 (hg19) VCF-style: chr2-152382467-C-G.
Other names: c.17058+5G>C (NM_004543.5); c.22161+5G>C (NM_001164507.2); c.22266+5G>C (NM_001271208.2).
Identifiers: ClinVar variation 1389487 (VCV001389487.3), dbSNP rs376988538, ClinGen allele CA57625984.
Genomic context (GRCh38, chr2:151,525,953, plus strand): 5'-ATTTCACCAGATTCTACAGTCAAGTGGCATTGTTGCTGCCAAGAGACCGGTGGTTGATCA[C>G]TTACATCACTGACATGCTTGGTCACTTCCTTGACGTGAACAGTGTCCCGGGTCTCTGGTA-3'

ClinVar aggregate classification (germline): Uncertain significance (1 of 4 stars; one submission).

Conditions:
Nemaline myopathy 2 (NEM2). Also called: Nemaline myopathy 2, autosomal recessive. Identifiers: MedGen C1850569, MONDO:0009725, OMIM 256030.

Allele frequency attached by ClinVar (database versions not stated): gnomAD 0.00001; TOPMed 0.00001; ESP Exome Variant Server 0.00008.
gnomAD v4.1: 5 of 1,611,362 alleles (0.00031%); highest among the groups gnomAD compares: Non-Finnish European, 0.00042%; no homozygotes.

Submission:

Labcorp Genetics (formerly Invitae), Labcorp
Classification: Uncertain significance for Nemaline myopathy 2. Last evaluated: 2021-09-01. Review status: criteria provided, single submitter. Criteria: Invitae Variant Classification Sherloc (09022015). Collection method: clinical testing. Allele origin: germline.
Comment: This sequence change falls in intron 151 of the NEB gene. It does not directly change the encoded amino acid sequence of the NEB protein. It affects a nucleotide within the consensus splice site of the intron. This variant is not present in population databases (ExAC no frequency). This variant has not been reported in the literature in individuals affected with NEB-related conditions. Variants that disrupt the consensus splice site are a relatively common cause of aberrant splicing (PMID: 17576681, 9536098). Algorithms developed to predict the effect of sequence changes on RNA splicing suggest that this variant may disrupt the consensus splice site. In summary, the available evidence is currently insufficient to determine the role of this variant in disease. Therefore, it has been classified as a Variant of Uncertain Significance.

Literature cited by the submitters: PubMed 17576681; PubMed 9536098.